The following is an entry in ClinVar:

ClinVar aggregate classification (germline): Uncertain significance (1 of 4 stars; one submission).

Conditions:
Duchenne muscular dystrophy (DMD). Also called: MUSCULAR DYSTROPHY, PSEUDOHYPERTROPHIC PROGRESSIVE, DUCHENNE TYPE; Duchenne Muscular Dystrophy (DMD). Identifiers: Orphanet 98896, MedGen C0013264, MONDO:0010679, OMIM 310200.

gnomAD v4.1: 1 of 1,211,417 alleles (0.000083%); highest among the groups gnomAD compares: Non-Finnish European, 0.00011%; no homozygotes.

Submission:

Labcorp Genetics (formerly Invitae), Labcorp
Classification: Uncertain significance for Duchenne muscular dystrophy. Last evaluated: 2025-10-26. Review status: criteria provided, single submitter. Criteria: Invitae Variant Classification Sherloc (09022015). Collection method: clinical testing. Allele origin: germline.
Comment: This sequence change replaces leucine, which is neutral and non-polar, with phenylalanine, which is neutral and non-polar, at codon 2794 of the DMD protein (p.Leu2794Phe). This variant is present in population databases (no rsID available, gnomAD 0.001%). This variant has not been reported in the literature in individuals affected with DMD-related conditions. Invitae Evidence Modeling of protein sequence and biophysical properties (such as structural, functional, and spatial information, amino acid conservation, physicochemical variation, residue mobility, and thermodynamic stability) indicates that this missense variant is not expected to disrupt DMD protein function with a negative predictive value of 95%. In summary, the available evidence is currently insufficient to determine the role of this variant in disease. Therefore, it has been classified as a Variant of Uncertain Significance.

NM_004006.3(DMD):c.8380C>T (p.Leu2794Phe)

Gene: DMD (dystrophin; minus strand). Cytogenetic location: Xp21.1.
Variant type: single nucleotide variant.
Coding change: c.8380C>T on transcript NM_004006.3 (MANE Select); coding-DNA position 8380, C replaced by T.
Protein change: p.Leu2794Phe; replaces leucine 2794 with phenylalanine.
Molecular consequence: missense variant.
Genome position (GRCh38, 1-based): chrX:31,507,291, G>A on the plus strand (C>T on the coding strand, the complement: DMD is on the minus strand). VCF-style: chrX-31507291-G-A. GRCh37 (hg19) VCF-style: chrX-31525408-G-A.
Other names: c.8356C>T, p.Leu2786Phe (NM_000109.4); c.8368C>T, p.Leu2790Phe (NM_004009.3); c.8011C>T, p.Leu2671Phe (NM_004010.3); c.4357C>T, p.Leu1453Phe (NM_004011.4); c.4348C>T, p.Leu1450Phe (NM_004012.4); c.1000C>T, p.Leu334Phe (NM_004013.3, NM_004020.4, NM_004021.3 and 2 more transcripts); c.193C>T, p.Leu65Phe (NM_004014.3); short protein forms L2786F, L334F, L2671F, L2790F, L2794F, L65F, L1450F, L1453F.
Identifiers: ClinVar variation 4696103 (VCV004696103.1).